The following is an entry in ClinVar:

ClinVar aggregate classification (germline): Uncertain significance. Review status: reviewed by expert panel (3 of 4 stars). 2 submissions from 2 submitters: Uncertain significance (1). 1 of the submissions does not count toward it. Last evaluated 2024-07-25.

Conditions:
Abnormal bleeding. Also called: Bleeding diathesis. Identifiers: MedGen C1458140, HP:0001892.
Thrombocytopenia. Identifiers: MedGen C0040034, MeSH D013921, MONDO:0002049, HP:0001873.
Hereditary thrombocytopenia and hematologic cancer predisposition syndrome. Identifiers: Orphanet 71290, MedGen CN281654, MONDO:0011071.

Submissions (2):

ClinGen Myeloid Malignancy Variant Curation Expert Panel
Classification: Uncertain significance for Hereditary thrombocytopenia and hematologic cancer predisposition syndrome. Last evaluated: 2024-07-25. Review status: reviewed by expert panel. Criteria: ClinGen MyeloMalig ACMG Specifications v2. Collection method: curation. Allele origin: germline. Inheritance: Autosomal dominant inheritance.
Comment: NM_001754.5(RUNX1):c.98-1G>A is a splice acceptor variant which only affects isoform c (PVS1_NA). This variant is completely absent from all population databases with at least 20x coverage for RUNX1 (PM2_supporting). This variant has been reported in two probands meeting at least one of the RUNX1-phenotypic criteria (PS4_Moderate; PMID: 27479822, 29932212). In summary, this variant meets the criteria to be classified as a variant of unknown significance. ACMG/AMP criteria applied, as specified by the Myeloid Malignancy Variant Curation Expert Panel for RUNX1: PM2_supporting, PS4_Moderate.

Birmingham Platelet Group; University of Birmingham
Classification: Pathogenic for Thrombocytopenia; Abnormal bleeding. Last evaluated: 2020-05-01. Review status: no assertion criteria provided. Collection method: research. Allele origin: germline. Affected: yes. Not counted in ClinVar's aggregate classification.

NM_001754.5(RUNX1):c.98-1G>A

Gene: RUNX1 (RUNX family transcription factor 1; minus strand). Cytogenetic location: 21q22.12.
Variant type: single nucleotide variant.
Coding change: c.98-1G>A on transcript NM_001754.5 (MANE Select); the canonical splice acceptor site of the intron before coding-DNA position 98, G replaced by A.
Molecular consequence: splice acceptor variant. On other transcripts: missense variant (2).
Genome position (GRCh38, 1-based): chr21:34,887,097, C>T on the plus strand (G>A on the coding strand, the complement: RUNX1 is on the minus strand). VCF-style: chr21-34887097-C-T. GRCh37 (hg19) VCF-style: chr21-36259394-C-T.
Other names: c.16G>A, p.Asp6Asn (NM_001001890.3, NM_001122607.2); short protein forms D6N.
Identifiers: ClinVar variation 988809 (VCV000988809.2), dbSNP rs2058006300, ClinGen allele CA410204328.
Genomic context (GRCh38, chr21:34,887,097, plus strand): 5'-TCATCTTGCCTGGGCTCAGCGCGGTGGAAGGCGGCGTGAAGCGGCGGCTCGTGCTGGCAT[C>T]TACGGGGATACGCATCACAACAAGCCGATTGAGTTAGGACCCTGCAAACAGCTCCTACCA-3'